The following is an entry in ClinVar:

ClinVar aggregate classification (germline): Uncertain significance (1 of 4 stars; one submission).

Conditions:
RASopathy. Also called: rasopathies; Noonan spectrum disorder. Identifiers: Orphanet 536391, MedGen C5555857, MONDO:0021060.

Submission:

Labcorp Genetics (formerly Invitae), Labcorp
Classification: Uncertain significance for RASopathy. Last evaluated: 2024-09-15. Review status: criteria provided, single submitter. Criteria: Invitae Variant Classification Sherloc (09022015). Collection method: clinical testing. Allele origin: germline.
Comment: This sequence change affects an acceptor splice site in intron 9 of the CBL gene. It is expected to disrupt RNA splicing. Variants that disrupt the donor or acceptor splice site typically lead to a loss of protein function (PMID: 16199547), however the current clinical and genetic evidence is not sufficient to establish whether loss-of-function variants in CBL cause disease. This variant is not present in population databases (gnomAD no frequency). This variant has not been reported in the literature in individuals affected with CBL-related conditions. Algorithms developed to predict the effect of sequence changes on RNA splicing suggest that this variant may disrupt the consensus splice site. In summary, the available evidence is currently insufficient to determine the role of this variant in disease. Therefore, it has been classified as a Variant of Uncertain Significance.

Literature cited by the submitters: PubMed 16199547.

NM_005188.4(CBL):c.1432-2A>G

Gene: CBL (Cbl proto-oncogene; plus strand). Cytogenetic location: 11q23.3.
Variant type: single nucleotide variant.
Coding change: c.1432-2A>G on transcript NM_005188.4 (MANE Select); the canonical splice acceptor site of the intron before coding-DNA position 1432, A replaced by G.
Molecular consequence: splice acceptor variant.
Genome position (GRCh38, 1-based): chr11:119,284,967, A>G. VCF-style: chr11-119284967-A-G. GRCh37 (hg19) VCF-style: chr11-119155677-A-G.
Identifiers: ClinVar variation 3717281 (VCV003717281.2).
Genomic context (GRCh38, chr11:119,284,967, plus strand): 5'-AGAGTTGAAAGATGCCATTTCCCCAAACGAAAGTAATCTGTTAAATTTTTTATGTACCCT[A>G]GGTGGAACGGCCGCCTTCTCCATTCTCCATGGCCCCACAAGCTTCCCTTCCCCCGGTGCC-3'